The following is an entry in ClinVar:

ClinVar aggregate classification (germline): Uncertain significance (1 of 4 stars; one submission).

Conditions:
Hereditary cancer-predisposing syndrome. Also called: Neoplastic Syndromes, Hereditary; Tumor predisposition; Hereditary neoplastic syndrome; Hereditary Cancer Syndrome. Identifiers: Orphanet 140162, MedGen C0027672, MeSH D009386, MONDO:0015356.
Cardiovascular phenotype. Identifiers: MedGen CN230736.

Allele frequency attached by ClinVar (database versions not stated): gnomAD exomes below 0.00001.
gnomAD v4.1: 1 of 1,613,748 alleles (0.000062%); highest among the groups gnomAD compares: Non-Finnish European, 0.000085%; no homozygotes.

Submission:

Ambry Genetics
Classification: Uncertain significance for Cardiovascular phenotype; Hereditary cancer-predisposing syndrome. Last evaluated: 2023-11-16. Review status: criteria provided, single submitter. Criteria: Ambry Variant Classification Scheme 2023. Collection method: clinical testing. Allele origin: germline.
Comment: The p.S698P variant (also known as c.2092T>C), located in coding exon 18 of the LZTR1 gene, results from a T to C substitution at nucleotide position 2092. The serine at codon 698 is replaced by proline, an amino acid with similar properties. This amino acid position is conserved. In addition, this alteration is predicted to be deleterious by in silico analysis. Since supporting evidence is limited at this time, the clinical significance of this alteration remains unclear.

NM_006767.4(LZTR1):c.2092T>C (p.Ser698Pro)

Gene: LZTR1 (leucine zipper like post translational regulator 1; plus strand). Cytogenetic location: 22q11.21.
Variant type: single nucleotide variant.
Coding change: c.2092T>C on transcript NM_006767.4 (MANE Select); coding-DNA position 2092, T replaced by C.
Protein change: p.Ser698Pro; replaces serine 698 with proline.
Molecular consequence: missense variant.
Genome position (GRCh38, 1-based): chr22:20,995,985, T>C. VCF-style: chr22-20995985-T-C. GRCh37 (hg19) VCF-style: chr22-21350274-T-C.
Other names: short protein forms S698P.
Identifiers: ClinVar variation 3238202 (VCV003238202.1), dbSNP rs2518624436.